The following is an entry in ClinVar:

ClinVar aggregate classification (germline): Pathogenic (1 of 4 stars; one submission).

Conditions:
Developmental and epileptic encephalopathy, 2 (DEE2). Also called: INFANTILE SPASM SYNDROME, X-LINKED 2; CDKL5 deficiency disorder. Identifiers: Orphanet 1934, Orphanet 3451, Orphanet 505652, MedGen C4750718, MONDO:0010396, OMIM 300672.
Angelman syndrome-like. Identifiers: MedGen CN128785.

Submission:

Labcorp Genetics (formerly Invitae), Labcorp
Classification: Pathogenic for Developmental and epileptic encephalopathy, 2; Angelman syndrome-like. Last evaluated: 2023-03-19. Review status: criteria provided, single submitter. Criteria: Invitae Variant Classification Sherloc (09022015). Collection method: clinical testing. Allele origin: germline.
Comment: For these reasons, this variant has been classified as Pathogenic. Algorithms developed to predict the effect of sequence changes on RNA splicing suggest that this variant may disrupt the consensus splice site. ClinVar contains an entry for this variant (Variation ID: 1994376). Disruption of this splice site has been observed in individual(s) with CDKL5-related conditions (PMID: 34229227). In at least one individual the variant was observed to be de novo. This variant is not present in population databases (gnomAD no frequency). This sequence change affects a donor splice site in intron 16 of the CDKL5 gene. It is expected to disrupt RNA splicing. Variants that disrupt the donor or acceptor splice site typically lead to a loss of protein function (PMID: 16199547), and loss-of-function variants in CDKL5 are known to be pathogenic (PMID: 22872100).

Literature cited by the submitters: PubMed 34229227; PubMed 16199547; PubMed 22872100.

NM_001323289.2(CDKL5):c.2376+2T>A

Gene: CDKL5 (cyclin dependent kinase like 5; plus strand). Cytogenetic location: Xp22.13.
Variant type: single nucleotide variant.
Coding change: c.2376+2T>A on transcript NM_001323289.2 (MANE Select); the canonical splice donor site of the intron after coding-DNA position 2376, T replaced by A.
Molecular consequence: splice donor variant.
Genome position (GRCh38, 1-based): chrX:18,619,968, T>A. VCF-style: chrX-18619968-T-A. GRCh37 (hg19) VCF-style: chrX-18638088-T-A.
Other names: c.2376+2T>A (NM_003159.3, NM_001037343.2).
Identifiers: ClinVar variation 1994376 (VCV001994376.4), dbSNP rs2518890612, ClinGen allele CA412364078.